The following is an entry in ClinVar:

ClinVar aggregate classification (germline): Uncertain significance. Review status: criteria provided, multiple submitters, no conflicts (2 of 4 stars). 5 submissions from 5 submitters: Uncertain significance (5). Last evaluated 2025-01-19.

Conditions:
Inborn genetic diseases. Identifiers: MedGen C0950123, MeSH D030342.

Allele frequency attached by ClinVar (database versions not stated): TOPMed 0.00013; ESP Exome Variant Server 0.00016.
gnomAD v4.1: 371 of 1,612,436 alleles (0.023%); highest among the groups gnomAD compares: Non-Finnish European, 0.03%; no homozygotes.

Submissions (5):

Labcorp Genetics (formerly Invitae), Labcorp
Classification: Uncertain significance. Last evaluated: 2025-01-19. Review status: criteria provided, single submitter. Criteria: Invitae Variant Classification Sherloc (09022015). Collection method: clinical testing. Allele origin: germline.
Comment: This sequence change replaces arginine, which is basic and polar, with glycine, which is neutral and non-polar, at codon 83 of the RIN2 protein (p.Arg83Gly). This variant is present in population databases (rs375970512, gnomAD 0.02%). This variant has not been reported in the literature in individuals affected with RIN2-related conditions. ClinVar contains an entry for this variant (Variation ID: 425265). Experimental studies and prediction algorithms are not available or were not evaluated, and the functional significance of this variant is currently unknown. In summary, the available evidence is currently insufficient to determine the role of this variant in disease. Therefore, it has been classified as a Variant of Uncertain Significance.

Ambry Genetics
Classification: Uncertain significance for Inborn genetic diseases. Last evaluated: 2025-01-18. Review status: criteria provided, single submitter. Criteria: Ambry Variant Classification Scheme 2023. Collection method: clinical testing. Allele origin: germline.

Clinical Genetics Laboratory, Skane University Hospital Lund
Classification: Uncertain significance. Last evaluated: 2023-09-15. Review status: criteria provided, single submitter. Criteria: ACMG Guidelines, 2015. Collection method: clinical testing. Allele origin: germline. Affected: yes.

GeneDx
Classification: Uncertain significance. Last evaluated: 2022-12-09. Review status: criteria provided, single submitter. Criteria: GeneDx Variant Classification Process June 2021. Collection method: clinical testing. Allele origin: germline. Affected: yes.
Comment: Has not been previously published as pathogenic or benign to our knowledge; In silico analysis supports that this missense variant does not alter protein structure/function

CeGaT Center for Human Genetics Tuebingen
Classification: Uncertain significance. Last evaluated: 2017-01-01. Review status: criteria provided, single submitter. Criteria: CeGaT Center For Human Genetics Tuebingen Variant Classification Criteria Version 2. Collection method: clinical testing. Allele origin: germline. Affected: yes. Observed: 1 variant allele.

NM_018993.4(RIN2):c.247A>G (p.Arg83Gly)

Gene: RIN2 (Ras and Rab interactor 2; plus strand). Cytogenetic location: 20p11.23.
Variant type: single nucleotide variant.
Coding change: c.247A>G on transcript NM_018993.4 (MANE Select); coding-DNA position 247, A replaced by G.
Protein change: p.Arg83Gly; replaces arginine 83 with glycine.
Molecular consequence: missense variant. On other transcripts: 5 prime UTR variant (1).
Genome position (GRCh38, 1-based): chr20:19,956,703, A>G. VCF-style: chr20-19956703-A-G. GRCh37 (hg19) VCF-style: chr20-19937347-A-G.
Other names: c.394A>G, p.Arg132Gly (NM_001242581.2); c.-299A>G (NM_001378238.1); short protein forms R83G, R132G.
Identifiers: ClinVar variation 425265 (VCV000425265.53), dbSNP rs375970512, ClinGen allele CA9779771.
Genomic context (GRCh38, chr20:19,956,703, plus strand): 5'-TCCGAGGAAGAGGACGTGAAGACCTGTGCCCGGGACTCAGGCTATGACAGCCTCTCCAAC[A>G]GGCTCAGCATCTTGGACCGGCTCCTCCACACCCACCCCATATGGCTGCAGCTGAGTCTGA-3'
Protein context (NP_061866.1, residues 73-93): RDSGYDSLSN[Arg83Gly]LSILDRLLHT